The following is an entry in ClinVar:

ClinVar aggregate classification (germline): Uncertain significance. Review status: criteria provided, multiple submitters, no conflicts (2 of 4 stars). 2 submissions from 2 submitters: Uncertain significance (2). Last evaluated 2025-07-18.

Conditions:
Long QT syndrome (LQTS). Identifiers: MedGen C0023976, MeSH D008133, MONDO:0002442. Disease mechanism: loss of function. Inheritance: Various modes of inheritance.

Allele frequency attached by ClinVar (database versions not stated): gnomAD exomes below 0.00001.
gnomAD v4.1: 10 of 1,614,066 alleles (0.00062%); highest among the groups gnomAD compares: Admixed American, 0.0017%; no homozygotes.

Submissions (2):

Labcorp Genetics (formerly Invitae), Labcorp
Classification: Uncertain significance for Long QT syndrome. Last evaluated: 2025-07-18. Review status: criteria provided, single submitter. Criteria: Invitae Variant Classification Sherloc (09022015). Collection method: clinical testing. Allele origin: germline.
Comment: This sequence change replaces arginine, which is basic and polar, with cysteine, which is neutral and slightly polar, at codon 394 of the KCNH2 protein (p.Arg394Cys). This variant is present in population databases (no rsID available, gnomAD 0.003%). This variant has not been reported in the literature in individuals affected with KCNH2-related conditions. ClinVar contains an entry for this variant (Variation ID: 855813). An algorithm developed to predict the effect of missense changes on protein structure and function (PolyPhen-2) suggests that this variant is likely to be disruptive. In summary, the available evidence is currently insufficient to determine the role of this variant in disease. Therefore, it has been classified as a Variant of Uncertain Significance.

AiLife Diagnostics
Classification: Uncertain significance. Last evaluated: 2021-12-15. Review status: criteria provided, single submitter. Criteria: ACMG Guidelines, 2015. Collection method: clinical testing. Allele origin: germline. Affected: yes. Observed: 1 variant allele.

NM_000238.4(KCNH2):c.1180C>T (p.Arg394Cys)

Gene: KCNH2 (potassium voltage-gated channel subfamily H member 2; minus strand). Cytogenetic location: 7q36.1.
Variant type: single nucleotide variant.
Coding change: c.1180C>T on transcript NM_000238.4 (MANE Select); coding-DNA position 1180, C replaced by T.
Protein change: p.Arg394Cys; replaces arginine 394 with cysteine.
Molecular consequence: missense variant.
Genome position (GRCh38, 1-based): chr7:150,952,802, G>A on the plus strand (C>T on the coding strand, the complement: KCNH2 is on the minus strand). VCF-style: chr7-150952802-G-A. GRCh37 (hg19) VCF-style: chr7-150649890-G-A.
Other names: c.160C>T, p.Arg54Cys (NM_001204798.2, NM_172057.3); c.892C>T, p.Arg298Cys (NM_001406753.1, NM_001406756.1); c.1003C>T, p.Arg335Cys (NM_001406755.1); c.880C>T, p.Arg294Cys (NM_001406757.1); c.1180C>T, p.Arg394Cys (NM_172056.3); short protein forms R54C, R394C, R298C, R335C, R294C.
Identifiers: ClinVar variation 855813 (VCV000855813.11), dbSNP rs1325776019, ClinGen allele CA16622033.
Genomic context (GRCh38, chr7:150,952,802, plus strand): 5'-TGAGCCAGTCCCACACGGCCTTGAAGGGGCTGTAATGCAGGATGGTCCAGCGGTGGATGC[G>A]CGGTGCCTGCAGCTTGTACTCAGGCAGCACGTCGGCGCCCAGGGACAGGACCTGCACCCG-3'
Protein context (NP_000229.1, residues 384-404): VLPEYKLQAP[Arg394Cys]IHRWTILHYS